The following is an entry in ClinVar:

ClinVar aggregate classification (germline): Conflicting classifications of pathogenicity. Review status: criteria provided, conflicting classifications (1 of 4 stars). 9 submissions from 7 submitters: Uncertain significance (6); Likely benign (2). 1 of the submissions does not count toward it. Last evaluated 2025-06-05.

Conditions:
Usher syndrome type 1B (USH1B). Also called: Usher syndrome type IB. Identifiers: MedGen C1848638, MONDO:0700087.
Inborn genetic diseases. Identifiers: MedGen C0950123, MeSH D030342.
Usher syndrome type 1 (USH1). Also called: RETINITIS PIGMENTOSA AND CONGENITAL DEAFNESS. Identifiers: Orphanet 231169, Orphanet 886, MedGen C1568247, MONDO:0010168, OMIM 276900.
Autosomal dominant nonsyndromic hearing loss 11. Identifiers: Orphanet 90635, MedGen C1832475, MONDO:0011032, OMIM 601317.
Autosomal recessive nonsyndromic hearing loss 2. Also called: NEUROSENSORY NONSYNDROMIC RECESSIVE DEAFNESS 2; DEAFNESS, AUTOSOMAL RECESSIVE 2. Identifiers: Orphanet 90636, MedGen C1838701, MONDO:0010807, OMIM 600060.

Allele frequency attached by ClinVar (database versions not stated): gnomAD exomes 0.00004; ExAC 0.00013; gnomAD 0.00031 and 0.00034; TOPMed 0.00035; ESP Exome Variant Server 0.00040.
gnomAD v4.1: 97 of 1,578,182 alleles (0.0061%); highest among the groups gnomAD compares: African/African-American, 0.12%; no homozygotes.

Submissions (9):

Labcorp Genetics (formerly Invitae), Labcorp
Classification: Likely benign. Last evaluated: 2025-06-05. Review status: criteria provided, single submitter. Criteria: Invitae Variant Classification Sherloc (09022015). Collection method: clinical testing. Allele origin: germline.

Ambry Genetics
Classification: Uncertain significance for Inborn genetic diseases. Last evaluated: 2025-05-23. Review status: criteria provided, single submitter. Criteria: Ambry Variant Classification Scheme 2023. Collection method: clinical testing. Allele origin: germline.

GeneDx
Classification: Uncertain significance. Last evaluated: 2024-01-11. Review status: criteria provided, single submitter. Criteria: GeneDx Variant Classification Process June 2021. Collection method: clinical testing. Allele origin: germline. Affected: yes.
Comment: Has not been previously published as pathogenic or benign to our knowledge; In silico analysis supports that this missense variant does not alter protein structure/function

Blueprint Genetics
Classification: Uncertain significance. Last evaluated: 2023-09-05. Review status: criteria provided, single submitter. Criteria: ACMG Guidelines, 2015. Collection method: clinical testing. Allele origin: germline.

Breda Genetics srl
Classification: Uncertain significance for Autosomal recessive nonsyndromic hearing loss 2. Last evaluated: 2021-02-03. Review status: criteria provided, single submitter. Criteria: ACMG Guidelines, 2015. Collection method: clinical testing. Allele origin: germline. Inheritance: Autosomal recessive inheritance. Affected: yes. Observed: 1 variant allele, 1 heterozygote.
Comment: The variant in c.3415G>A (p.Gly1139Ser) the MYO7A gene is reported with conflicting interpretation of pathogenicity for usher syndrome type 1, autosomal recessive deafness 2, and autosomal dominant deafness 11 in ClinVar (Variation ID: 306182). The variant is reported with an estimated allele frequency of 0.0000262 in gnomAD exomes and 0.0003 in gnomAD genomes, with no homozygous individuals reported. The nucleotide position is conserved across 35 mammalian species (GERP RS: 5.02). In silico analysis gives inconsistent results.

Illumina Laboratory Services, Illumina
Classification: Uncertain significance for Usher syndrome type 1. Last evaluated: 2018-01-13. Review status: criteria provided, single submitter. Criteria: ICSL Variant Classification Criteria 13 December 2019. Collection method: clinical testing. Allele origin: germline.

Illumina Laboratory Services, Illumina
Classification: Likely benign for Autosomal dominant nonsyndromic hearing loss 11. Last evaluated: 2018-01-13. Review status: criteria provided, single submitter. Criteria: ICSL Variant Classification Criteria 13 December 2019. Collection method: clinical testing. Allele origin: germline.
Comment: This variant was observed in the ICSL laboratory as part of a predisposition screen in an ostensibly healthy population. It had not been previously curated by ICSL or reported in the Human Gene Mutation Database (HGMD: prior to June 1st, 2018), and was therefore a candidate for classification through an automated scoring system. Utilizing variant allele frequency, disease prevalence and penetrance estimates, and inheritance mode, an automated score was calculated to assess if this variant is too frequent to cause the disease. Based on the score and internal cut-off values, a variant classified as likely benign is not then subjected to further curation. The score for this variant resulted in a classification of likely benign for this disease.

Illumina Laboratory Services, Illumina
Classification: Uncertain significance for Autosomal recessive nonsyndromic hearing loss 2. Last evaluated: 2018-01-13. Review status: criteria provided, single submitter. Criteria: ICSL Variant Classification Criteria 13 December 2019. Collection method: clinical testing. Allele origin: germline.

Natera, Inc.
Classification: Uncertain significance for Usher syndrome type 1B. Last evaluated: 2019-11-11. Review status: no assertion criteria provided. Collection method: clinical testing. Allele origin: germline. Not counted in ClinVar's aggregate classification.

NM_000260.4(MYO7A):c.3415G>A (p.Gly1139Ser)

Gene: MYO7A (myosin VIIA; plus strand). Cytogenetic location: 11q13.5.
Variant type: single nucleotide variant.
Coding change: c.3415G>A on transcript NM_000260.4 (MANE Select); coding-DNA position 3415, G replaced by A.
Protein change: p.Gly1139Ser; replaces glycine 1139 with serine.
Molecular consequence: missense variant.
Genome position (GRCh38, 1-based): chr11:77,184,627, G>A. VCF-style: chr11-77184627-G-A. GRCh37 (hg19) VCF-style: chr11-76895672-G-A.
Other names: c.3415G>A, p.Gly1139Ser (NM_001127180.2); c.3382G>A, p.Gly1128Ser (NM_001369365.1); short protein forms G1139S, G1128S.
Identifiers: ClinVar variation 306182 (VCV000306182.23), dbSNP rs200840044, ClinGen allele CA6198059.